The following is an entry in ClinVar:

ClinVar aggregate classification (germline): Benign. Review status: criteria provided, multiple submitters, no conflicts (2 of 4 stars). 14 submissions from 11 submitters: Benign (14). Last evaluated 2026-04-01.

Conditions:
Congenital myopathy 18. Also called: Myopathy, congenital, due to dihydropyridine receptor defect; DIHYDROPYRIDINE RECEPTOR CONGENITAL MYOPATHY; DHPR CONGENITAL MYOPATHY. Identifiers: MedGen C5830283, MONDO:0859514, OMIM 620246.
Hypokalemic periodic paralysis, type 1. Also called: HypoPP; Hypokalemic Periodic Paralysis Type 1 (AD). Identifiers: Orphanet 681, MedGen C3714580, MONDO:0042979, OMIM 170400.
Malignant hyperthermia, susceptibility to, 5 (MHS5). Also called: CACNA1S-Related Malignant Hyperthermia Susceptibility. Identifiers: Orphanet 423, MedGen C1866077, MONDO:0011163, OMIM 601887.
Malignant hyperthermia of anesthesia. Also called: Anesthesic-triggered malignant hyperthermia. Identifiers: Orphanet 423, MedGen C0024591, MONDO:0018493, HP:0034733.
Thyrotoxic periodic paralysis, susceptibility to, 1 (TTPP1). Identifiers: Orphanet 79102, MedGen C2749982, MONDO:0008570, OMIM 188580.

Allele frequency attached by ClinVar (database versions not stated): ESP Exome Variant Server 0.00976; TOPMed 0.00986; 1000 Genomes Project 0.01078; 1000 Genomes Project 30x 0.01124.

Submissions (14):

CeGaT Center for Human Genetics Tuebingen
Classification: Benign. Last evaluated: 2026-04-01. Review status: criteria provided, single submitter. Criteria: CeGaT Center For Human Genetics Tuebingen Variant Classification Criteria Version 2. Collection method: clinical testing. Allele origin: germline. Affected: yes. Observed: 4 variant alleles.
Comment: CACNA1S: BS1, BS2

Labcorp Genetics (formerly Invitae), Labcorp
Classification: Benign for Hypokalemic periodic paralysis, type 1; Malignant hyperthermia, susceptibility to, 5. Last evaluated: 2026-01-28. Review status: criteria provided, single submitter. Criteria: Invitae Variant Classification Sherloc (09022015). Collection method: clinical testing. Allele origin: germline.

All of Us Research Program, National Institutes of Health
Classification: Benign for Malignant hyperthermia, susceptibility to, 5. Last evaluated: 2024-09-27. Review status: criteria provided, single submitter. Criteria: ACMG Guidelines, 2015. Collection method: clinical testing. Allele origin: germline. Inheritance: Autosomal dominant inheritance. Observed: 844 variant alleles, 834 heterozygotes, 10 homozygotes.
Comment: This study involves interpretation of variants in research participants for the purpose of population health screening. Participant phenotype was not available at the time of variant classification. Additional details can be found in publication PMID: 35346344, PMCID: PMC8962531

Genome-Nilou Lab
Classification: Benign for Malignant hyperthermia, susceptibility to, 5. Last evaluated: 2023-04-11. Review status: criteria provided, single submitter. Criteria: ACMG Guidelines, 2015. Collection method: clinical testing. Allele origin: germline. Affected: no.

Genome-Nilou Lab
Classification: Benign for Thyrotoxic periodic paralysis, susceptibility to, 1. Last evaluated: 2023-04-11. Review status: criteria provided, single submitter. Criteria: ACMG Guidelines, 2015. Collection method: clinical testing. Allele origin: germline. Affected: no.

Genome-Nilou Lab
Classification: Benign for Congenital myopathy 18. Last evaluated: 2023-04-11. Review status: criteria provided, single submitter. Criteria: ACMG Guidelines, 2015. Collection method: clinical testing. Allele origin: germline. Affected: no.

Genome-Nilou Lab
Classification: Benign for Hypokalemic periodic paralysis, type 1. Last evaluated: 2023-04-11. Review status: criteria provided, single submitter. Criteria: ACMG Guidelines, 2015. Collection method: clinical testing. Allele origin: germline. Affected: no.

Mayo Clinic Laboratories, Mayo Clinic
Classification: Benign. Last evaluated: 2022-12-29. Review status: criteria provided, single submitter. Criteria: ACMG Guidelines, 2015. Collection method: clinical testing. Allele origin: germline. Observed: 3 variant alleles.
Comment: BS1, BS2

Athena Diagnostics
Classification: Benign. Last evaluated: 2019-08-07. Review status: criteria provided, single submitter. Criteria: Athena Diagnostics Criteria. Collection method: clinical testing. Allele origin: germline.

Color Diagnostics, LLC DBA Color Health
Classification: Benign for Malignant hyperthermia, susceptibility to, 5. Last evaluated: 2019-03-29. Review status: criteria provided, single submitter. Criteria: ACMG Guidelines, 2015. Collection method: clinical testing. Allele origin: germline.

Illumina Laboratory Services, Illumina
Classification: Benign for Hypokalemic periodic paralysis, type 1. Last evaluated: 2018-01-13. Review status: criteria provided, single submitter. Criteria: ICSL Variant Classification Criteria 13 December 2019. Collection method: clinical testing. Allele origin: germline.
Comment: This variant was observed in the ICSL laboratory as part of a predisposition screen in an ostensibly healthy population. It had not been previously curated by ICSL or reported in the Human Gene Mutation Database (HGMD: prior to June 1st, 2018), and was therefore a candidate for classification through an automated scoring system. Utilizing variant allele frequency, disease prevalence and penetrance estimates, and inheritance mode, an automated score was calculated to assess if this variant is too frequent to cause the disease. Based on the score and internal cut-off values, a variant classified as benign is not then subjected to further curation. The score for this variant resulted in a classification of benign for this disease.

Genomic Diagnostic Laboratory, Division of Genomic Diagnostics, Children's Hospital of Philadelphia
Classification: Benign for Malignant hyperthermia. Last evaluated: 2015-10-01. Review status: criteria provided, single submitter. Criteria: DGD Variant Analysis Guidelines. Collection method: clinical testing. Allele origin: unknown.

Breakthrough Genomics
Classification: Benign. Review status: criteria provided, single submitter. Criteria: ACMG Guidelines, 2015. Collection method: not provided. Allele origin: germline. Inheritance: Autosomal dominant inheritance. Affected: yes.

PreventionGenetics, part of Exact Sciences
Classification: Benign. Review status: criteria provided, single submitter. Criteria: ACMG Guidelines, 2015. Collection method: clinical testing. Allele origin: germline.

Literature cited by the submitters: PubMed 24195946 (cited by Mayo Clinic Laboratories, Mayo Clinic and Athena Diagnostics); PubMed 28326467 (cited by Mayo Clinic Laboratories, Mayo Clinic and Athena Diagnostics).

NM_000069.3(CACNA1S):c.2047C>T (p.Arg683Cys)

Gene: CACNA1S (calcium voltage-gated channel subunit alpha1 S; minus strand). Cytogenetic location: 1q32.1.
Variant type: single nucleotide variant.
Coding change: c.2047C>T on transcript NM_000069.3 (MANE Select); coding-DNA position 2047, C replaced by T.
Protein change: p.Arg683Cys; replaces arginine 683 with cysteine.
Molecular consequence: missense variant.
Genome position (GRCh38, 1-based): chr1:201,074,522, G>A on the plus strand (C>T on the coding strand, the complement: CACNA1S is on the minus strand). VCF-style: chr1-201074522-G-A. GRCh37 (hg19) VCF-style: chr1-201043650-G-A.
Other names: p.Arg683Cys; short protein forms R683C.
Identifiers: ClinVar variation 199685 (VCV000199685.70), dbSNP rs35708442, ClinGen allele CA004023.